The following is an entry in ClinVar:

NM_006009.4(TUBA1A):c.796C>T (p.His266Tyr)

Gene: TUBA1A (tubulin alpha 1a; minus strand). Cytogenetic location: 12q13.12.
Variant type: single nucleotide variant.
Coding change: c.796C>T on transcript NM_006009.4 (MANE Select); coding-DNA position 796, C replaced by T.
Protein change: p.His266Tyr; replaces histidine 266 with tyrosine.
Molecular consequence: missense variant.
Genome position (GRCh38, 1-based): chr12:49,185,570, G>A on the plus strand (C>T on the coding strand, the complement: TUBA1A is on the minus strand). VCF-style: chr12-49185570-G-A. GRCh37 (hg19) VCF-style: chr12-49579353-G-A.
Other names: c.796C>T (NM_006009.3); c.796C>T, p.His266Tyr (NM_001270399.2); c.691C>T, p.His231Tyr (NM_001270400.2); short protein forms H266Y, H231Y.
Identifiers: ClinVar variation 1994504 (VCV001994504.5), dbSNP rs2498860279, ClinGen allele CA384639678.
Genomic context (GRCh38, chr12:49,185,570, plus strand): 5'-GCTGTTCATGGTAGGCTTTCTCAGCAGAGATGACAGGGGCATATGTGGCCAGAGGGAAGT[G>A]GATGCGGGGATAGGGCACCAGGTTGGTCTGGAATTCTGTCAGGTCAACATTCAGGGCTCC-3'
Protein context (NP_006000.2, residues 256-276): QTNLVPYPRI[His266Tyr]FPLATYAPVI

ClinVar aggregate classification (germline): Conflicting classifications of pathogenicity. Review status: criteria provided, conflicting classifications (1 of 4 stars). 2 submissions from 2 submitters: Likely pathogenic (1); Uncertain significance (1). Last evaluated 2023-07-17.

Conditions:
Lissencephaly due to TUBA1A mutation (CDCBM16). Also called: CORTICAL DYSPLASIA, COMPLEX, WITH OTHER BRAIN MALFORMATIONS 16; Lissencephaly 3. Identifiers: Orphanet 171680, MedGen C4305153, MONDO:0012703, OMIM 611603.

Submissions (2):

Victorian Clinical Genetics Services, Murdoch Childrens Research Institute
Classification: Likely pathogenic for Lissencephaly due to TUBA1A mutation. Last evaluated: 2023-07-17. Review status: criteria provided, single submitter. Criteria: ACMG Guidelines, 2015. Collection method: clinical testing. Allele origin: germline. Inheritance: Autosomal dominant inheritance. Affected: yes.
Comment: Based on the classification scheme VCGS_Germline_v1.3.4, this variant is classified as Likely pathogenic. Following criteria are met: 0104 - Dominant negative is a known mechanism of disease in this gene and is associated with lissencephaly 3, resulting in defects in protein stability (MIM#61160; PMIDs: 20466733, 30517687). (I) 0107 - This gene is associated with autosomal dominant disease. (I) 0200 - Variant is predicted to result in a missense amino acid change from histidine to tyrosine. (I) 0251 - This variant is heterozygous. (I) 0301 - Variant is absent from gnomAD (both v2 and v3). (SP) 0502 - Missense variant with damaging in silico predictions; however, the same amino acid change has been observed in one other placental mammal. (I) 0603 - Missense variant in a region that is highly intolerant to missense variation (high constraint region in DECIPHER). (SP) 0705 - No comparable missense variants have previous evidence for pathogenicity. (I) 0802 - This variant has moderate previous evidence of pathogenicity in unrelated individuals. This variant has been observed as de novo in an individual with profound intellectual disability, agenesis of the corpus callosum, small cerebellum and delayed myelinization (PMID: 30679432). This variant has also been classified as a VUS by a clinical laboratory in ClinVar. (SP) 0905 - No published segregation evidence has been identified for this variant. (I) 1007 - No published functional evidence has been identified for this variant. (SP) Legend: (SP) - Supporting pathogenic, (I) - Information, (SB) - Supporting benign

Labcorp Genetics (formerly Invitae), Labcorp
Classification: Uncertain significance. Last evaluated: 2022-05-14. Review status: criteria provided, single submitter. Criteria: Invitae Variant Classification Sherloc (09022015). Collection method: clinical testing. Allele origin: germline.
Comment: This sequence change replaces histidine, which is basic and polar, with tyrosine, which is neutral and polar, at codon 266 of the TUBA1A protein (p.His266Tyr). Algorithms developed to predict the effect of missense changes on protein structure and function (SIFT, PolyPhen-2, Align-GVGD) all suggest that this variant is likely to be disruptive. This variant is not present in population databases (gnomAD no frequency). This variant has not been reported in the literature in individuals affected with TUBA1A-related conditions. In summary, the available evidence is currently insufficient to determine the role of this variant in disease. Therefore, it has been classified as a Variant of Uncertain Significance.

Literature cited by the submitters: PubMed 20466733 (cited by Victorian Clinical Genetics Services, Murdoch Childrens Research Institute); PubMed 30517687 (cited by Victorian Clinical Genetics Services, Murdoch Childrens Research Institute); PubMed 30679432 (cited by Victorian Clinical Genetics Services, Murdoch Childrens Research Institute).